The following is an entry in ClinVar:

ClinVar aggregate classification (germline): Uncertain significance. Review status: criteria provided, multiple submitters, no conflicts (2 of 4 stars). 2 submissions from 2 submitters: Uncertain significance (2). Last evaluated 2021-11-22.

gnomAD v4.1: 4 of 1,602,774 alleles (0.00025%); highest among the groups gnomAD compares: Non-Finnish European, 0.00034%; no homozygotes.

Submissions (2):

Labcorp Genetics (formerly Invitae), Labcorp
Classification: Uncertain significance. Last evaluated: 2021-11-22. Review status: criteria provided, single submitter. Criteria: Invitae Variant Classification Sherloc (09022015). Collection method: clinical testing. Allele origin: germline.
Comment: This sequence change replaces leucine, which is neutral and non-polar, with phenylalanine, which is neutral and non-polar, at codon 178 of the RAB28 protein (p.Leu178Phe). This variant is present in population databases (rs375680071, gnomAD 0.002%). This variant has not been reported in the literature in individuals affected with RAB28-related conditions. Algorithms developed to predict the effect of missense changes on protein structure and function are either unavailable or do not agree on the potential impact of this missense change (SIFT: "Deleterious"; PolyPhen-2: "Probably Damaging"; Align-GVGD: "Class C0"). In summary, the available evidence is currently insufficient to determine the role of this variant in disease. Therefore, it has been classified as a Variant of Uncertain Significance.

Blueprint Genetics
Classification: Uncertain significance. Last evaluated: 2018-07-09. Review status: criteria provided, single submitter. Criteria: ACMG Guidelines, 2015. Collection method: clinical testing. Allele origin: germline.

NM_001017979.3(RAB28):c.532C>T (p.Leu178Phe)

Gene: RAB28 (RAB28, member RAS oncogene family; minus strand). Cytogenetic location: 4p15.33.
Variant type: single nucleotide variant.
Coding change: c.532C>T on transcript NM_001017979.3 (MANE Select); coding-DNA position 532, C replaced by T.
Protein change: p.Leu178Phe; replaces leucine 178 with phenylalanine.
Molecular consequence: missense variant.
Genome position (GRCh38, 1-based): chr4:13,376,586, G>A on the plus strand (C>T on the coding strand, the complement: RAB28 is on the minus strand). VCF-style: chr4-13376586-G-A. GRCh37 (hg19) VCF-style: chr4-13378210-G-A.
Other names: c.532C>T, p.Leu178Phe (NM_001159601.2, NM_004249.4); short protein forms L178F.
Identifiers: ClinVar variation 1375135 (VCV001375135.7), dbSNP rs375680071, ClinGen allele CA2860042.